The following is an entry in ClinVar:

NM_000368.5(TSC1):c.2873T>C (p.Phe958Ser)

Gene: TSC1 (TSC complex subunit 1; minus strand). Cytogenetic location: 9q34.13.
Variant type: single nucleotide variant.
Coding change: c.2873T>C on transcript NM_000368.5 (MANE Select); coding-DNA position 2873, T replaced by C.
Protein change: p.Phe958Ser; replaces phenylalanine 958 with serine.
Molecular consequence: missense variant. On other transcripts: non-coding transcript variant (5).
Genome position (GRCh38, 1-based): chr9:132,897,286, A>G on the plus strand (T>C on the coding strand, the complement: TSC1 is on the minus strand). VCF-style: chr9-132897286-A-G. GRCh37 (hg19) VCF-style: chr9-135772673-A-G.
Other names: c.2870T>C, p.Phe957Ser (NM_001162426.2, NM_001406597.1, NM_001406598.1 and 2 more transcripts); c.2720T>C, p.Phe907Ser (NM_001162427.2, NM_001406610.1); c.2510T>C, p.Phe837Ser (NM_001362177.2, NM_001406614.1, NM_001406615.1 and 4 more transcripts); c.2873T>C, p.Phe958Ser (NM_001406592.1, NM_001406593.1, NM_001406594.1 and 2 more transcripts); c.2831T>C, p.Phe944Ser (NM_001406607.1, NM_001406605.1, NM_001406606.1); c.2828T>C, p.Phe943Ser (NM_001406608.1, NM_001406609.1); c.2717T>C, p.Phe906Ser (NM_001406611.1, NM_001406612.1); c.2675T>C, p.Phe892Ser (NM_001406613.1); and 8 more; short protein forms F892S, F943S, F823S, F952S, F953S, F957S, F640S, F822S.
Identifiers: ClinVar variation 2447875 (VCV002447875.4), dbSNP rs2131626774, ClinGen allele CA375368818.

ClinVar aggregate classification (germline): Uncertain significance. Review status: criteria provided, multiple submitters, no conflicts (2 of 4 stars). 2 submissions from 2 submitters: Uncertain significance (2). Last evaluated 2024-09-12.

Conditions:
Hereditary cancer-predisposing syndrome. Also called: Hereditary neoplastic syndrome; Tumor predisposition; Neoplastic Syndromes, Hereditary; Hereditary Cancer Syndrome. Identifiers: Orphanet 140162, MedGen C0027672, MeSH D009386, MONDO:0015356.
Tuberous sclerosis 1 (TSC1). Identifiers: Orphanet 805, MedGen C1854465, MONDO:0008612, OMIM 191100.

Submissions (2):

Labcorp Genetics (formerly Invitae), Labcorp
Classification: Uncertain significance for Tuberous sclerosis 1. Last evaluated: 2024-09-12. Review status: criteria provided, single submitter. Criteria: Invitae Variant Classification Sherloc (09022015). Collection method: clinical testing. Allele origin: germline.
Comment: This sequence change replaces phenylalanine, which is neutral and non-polar, with serine, which is neutral and polar, at codon 958 of the TSC1 protein (p.Phe958Ser). This variant is not present in population databases (gnomAD no frequency). This variant has not been reported in the literature in individuals affected with TSC1-related conditions. ClinVar contains an entry for this variant (Variation ID: 2447875). Invitae Evidence Modeling of protein sequence and biophysical properties (such as structural, functional, and spatial information, amino acid conservation, physicochemical variation, residue mobility, and thermodynamic stability) indicates that this missense variant is not expected to disrupt TSC1 protein function with a negative predictive value of 95%. In summary, the available evidence is currently insufficient to determine the role of this variant in disease. Therefore, it has been classified as a Variant of Uncertain Significance.

Ambry Genetics
Classification: Uncertain significance for Hereditary cancer-predisposing syndrome. Last evaluated: 2022-12-19. Review status: criteria provided, single submitter. Criteria: Ambry Variant Classification Scheme 2023. Collection method: clinical testing. Allele origin: germline.
Comment: The p.F958S variant (also known as c.2873T>C), located in coding exon 20 of the TSC1 gene, results from a T to C substitution at nucleotide position 2873. The phenylalanine at codon 958 is replaced by serine, an amino acid with highly dissimilar properties. This amino acid position is conserved. In addition, the in silico prediction for this alteration is inconclusive. Since supporting evidence is limited at this time, the clinical significance of this alteration remains unclear.